The following is an entry in ClinVar:

ClinVar aggregate classification (germline): Conflicting classifications of pathogenicity. Review status: criteria provided, conflicting classifications (1 of 4 stars). 2 submissions from 2 submitters: Pathogenic (1); Uncertain significance (1). Last evaluated 2024-02-23.

Conditions:
Hereditary cancer-predisposing syndrome. Also called: Tumor predisposition; Neoplastic Syndromes, Hereditary; Hereditary neoplastic syndrome; Hereditary Cancer Syndrome. Identifiers: Orphanet 140162, MedGen C0027672, MeSH D009386, MONDO:0015356.
Familial adenomatous polyposis 2. Also called: MYH-associated polyposis; FAP type 2; COLORECTAL ADENOMATOUS POLYPOSIS, AUTOSOMAL RECESSIVE; ADENOMAS, MULTIPLE COLORECTAL, AUTOSOMAL RECESSIVE; MUTYH-related attenuated familial adenomatous polyposis; MUTYH Polyposis. Identifiers: Orphanet 220460, Orphanet 247798, MedGen C3272841, MONDO:0012041, OMIM 608456.

Allele frequency attached by ClinVar (database versions not stated): gnomAD exomes below 0.00001.
gnomAD v4.1: 1 of 1,611,948 alleles (0.000062%); highest among the groups gnomAD compares: East Asian, 0.0022%; no homozygotes.

Submissions (2):

Ambry Genetics
Classification: Uncertain significance for Hereditary cancer-predisposing syndrome. Last evaluated: 2024-02-23. Review status: criteria provided, single submitter. Criteria: Ambry Variant Classification Scheme 2023. Collection method: clinical testing. Allele origin: germline.
Comment: The p.E60* variant (also known as c.178G>T), located in coding exon 3 of the MUTYH gene, results from a G to T substitution at nucleotide position 178. This changes the amino acid from a glutamic acid to a stop codon within coding exon 3. This region of the MUTYH gene is excluded from other biologically relevant MUTYH transcripts. Based on the available evidence, the clinical significance of this alteration remains unclear.

Labcorp Genetics (formerly Invitae), Labcorp
Classification: Pathogenic for Familial adenomatous polyposis 2. Last evaluated: 2023-07-07. Review status: criteria provided, single submitter. Criteria: Invitae Variant Classification Sherloc (09022015). Collection method: clinical testing. Allele origin: germline.
Comment: For these reasons, this variant has been classified as Pathogenic. ClinVar contains an entry for this variant (Variation ID: 582666). This variant has not been reported in the literature in individuals affected with MUTYH-related conditions. This variant is not present in population databases (gnomAD no frequency). This sequence change creates a premature translational stop signal (p.Glu60*) in the MUTYH gene. It is expected to result in an absent or disrupted protein product. Loss-of-function variants in MUTYH are known to be pathogenic (PMID: 18534194, 20663686).

Literature cited by the submitters: PubMed 18534194 (cited by Labcorp Genetics (formerly Invitae), Labcorp); PubMed 20663686 (cited by Labcorp Genetics (formerly Invitae), Labcorp).

NM_001128425.2(MUTYH):c.178G>T (p.Glu60Ter)

Gene: MUTYH (mutY DNA glycosylase; minus strand). Cytogenetic location: 1p34.1.
Variant type: single nucleotide variant.
Coding change: c.178G>T on transcript NM_001128425.2 (MANE Plus Clinical); coding-DNA position 178, G replaced by T.
Protein change: p.Glu60Ter; replaces glutamic acid 60 with a stop codon.
Molecular consequence: nonsense. On other transcripts: intron variant (10).
Genome position (GRCh38, 1-based): chr1:45,333,583, C>A on the plus strand (G>T on the coding strand, the complement: MUTYH is on the minus strand). VCF-style: chr1-45333583-C-A. GRCh37 (hg19) VCF-style: chr1-45799255-C-A.
Other names: c.127G>T, p.Glu43Ter (NM_001293191.2); c.169G>T, p.Glu57Ter (NM_012222.3); c.-92-86G>T (NM_001350651.2); c.-97-86G>T (NM_001293192.2, NM_001293196.2); c.-156-22G>T (NM_001350650.2); c.116-22G>T (NM_001048171.2, NM_001048173.2, NM_001048174.2 and 1 more transcripts); c.158-19G>T (NM_001293190.2); c.116-19G>T (NM_001048172.2); short protein forms E60*, E43*, E57*.
Identifiers: ClinVar variation 582666 (VCV000582666.7), dbSNP rs1557487793, ClinGen allele CA340136796.
Genomic context (GRCh38, chr1:45,333,583, plus strand): 5'-AGGCCTGCAATACCACCTCTTCCGGCTGCCTGGCCAGGCCTGCTGGGGCCCCAGGACACT[C>A]AGCAATCATCCCTGCACAGGCTGTGCATCAGGGTCTTGGGACACAGCAGCCTGTGGCAGT-3'